The following is an entry in ClinVar:

NM_194248.3(OTOF):c.1046-92A>T

Gene: OTOF (otoferlin; minus strand). Cytogenetic location: 2p23.3.
Variant type: single nucleotide variant.
Coding change: c.1046-92A>T on transcript NM_194248.3 (MANE Select); 92 bases into the intron before coding-DNA position 1046, A replaced by T.
Molecular consequence: intron variant.
Genome position (GRCh38, 1-based): chr2:26,484,725, T>A on the plus strand (A>T on the coding strand, the complement: OTOF is on the minus strand). VCF-style: chr2-26484725-T-A. GRCh37 (hg19) VCF-style: chr2-26707593-T-A.
Other names: c.1046-92A>T (NM_001287489.2).
Identifiers: ClinVar variation 683011 (VCV000683011.2), dbSNP rs55763868, ClinGen allele CA11181566.

ClinVar aggregate classification (germline): Benign. Review status: criteria provided, multiple submitters, no conflicts (2 of 4 stars). 2 submissions from 2 submitters: Benign (2). Last evaluated 2018-06-16.

Allele frequency attached by ClinVar (database versions not stated): 1000 Genomes Project 0.04513; 1000 Genomes Project 30x 0.04528; gnomAD 0.06248 and 0.06437; TOPMed 0.06349; gnomAD exomes 0.06436.
gnomAD v4.1: 85,957 of 1,348,662 alleles (6.4%); highest among the groups gnomAD compares: African/African-American, 8.1%; 3,045 homozygotes.

Submissions (2):

GeneDx
Classification: Benign. Last evaluated: 2018-06-16. Review status: criteria provided, single submitter. Criteria: GeneDx Variant Classification (06012015). Collection method: clinical testing. Allele origin: germline. Affected: yes.
Comment: This variant is considered likely benign or benign based on one or more of the following criteria: it is a conservative change, it occurs at a poorly conserved position in the protein, it is predicted to be benign by multiple in silico algorithms, and/or has population frequency not consistent with disease.

Breakthrough Genomics
Classification: Benign. Review status: criteria provided, single submitter. Criteria: ACMG Guidelines, 2015. Collection method: not provided. Allele origin: germline. Inheritance: Autosomal recessive inheritance. Affected: yes.